The following is an entry in ClinVar:

ClinVar aggregate classification (germline): Likely pathogenic (1 of 4 stars; one submission).

Conditions:
Rubinstein-Taybi syndrome due to CREBBP mutations (RSTS1). Also called: BROAD THUMB-HALLUX SYNDROME; RUBINSTEIN SYNDROME; RUBINSTEIN-TAYBI SYNDROME 1, INCOMPLETE; Rubinstein-Taybi syndrome 1; BROAD THUMBS AND GREAT TOES, CHARACTERISTIC FACIES, AND IMPAIRED INTELLECTUAL DEVELOPMENT; CREBBP-Related Rubinstein-Taybi Syndrome. Identifiers: Orphanet 353277, Orphanet 783, MedGen C4551859, MONDO:0008393, OMIM 180849.

Submission:

Foundation for Research in Genetics and Endocrinology, FRIGE's Institute of Human Genetics
Classification: Likely pathogenic for Rubinstein-Taybi syndrome due to CREBBP mutations. Last evaluated: 2024-05-14. Review status: criteria provided, single submitter. Criteria: ACMG Guidelines, 2015. Collection method: clinical testing. Allele origin: germline. Inheritance: Autosomal dominant inheritance. Affected: yes. Observed: 1 heterozygote.
Comment: A heterozygous 2 base pair deletion in exon 31 of the CREBBP gene that results in the frameshift and premature truncation of the protein 17 amino acids downstream to codon 1948 was detected. The observed variant c.5836_5837del:p.(Pro1948Glyfs*17) has not been reported reported in the gnomAD database. In summary, the variant meets our criteria to be classified as Likely pathogenic.

NM_004380.3(CREBBP):c.5836_5837del (p.Pro1946fs)

Gene: CREBBP (CREB binding lysine acetyltransferase; minus strand). Cytogenetic location: 16p13.3.
Variant type: Deletion.
Coding change: c.5836_5837del on transcript NM_004380.3 (MANE Select); coding-DNA positions 5836 to 5837, 2 bases deleted (CC; older notation c.5836_5837delCC).
Protein change: p.Pro1946fs; shifts the reading frame from proline 1946.
Molecular consequence: frameshift variant.
Genome position (GRCh38, 1-based): chr16:3,729,210-3,729,211, GG deleted on the plus strand (CC on the coding strand, the reverse complement: CREBBP is on the minus strand); deleting any 2 consecutive bases within chr16:3,729,210-3,729,216 gives the same sequence; the c. name uses the placement nearest the transcript's 3' end. VCF-style (leftmost placement, unchanged base first): chr16-3729209-TGG-T. GRCh37 (hg19) VCF-style: chr16-3779210-TGG-T.
Other names: p.Pro1948Glyfs*17; c.5722_5723del, p.Pro1908fs (NM_001079846.1); short protein forms P1908fs, P1946fs.
Identifiers: ClinVar variation 3235691 (VCV003235691.2), dbSNP rs587783507, ClinGen allele CA2825002418.